The following is an entry in ClinVar:

ClinVar aggregate classification (germline): Uncertain significance. Review status: criteria provided, multiple submitters, no conflicts (2 of 4 stars). 2 submissions from 2 submitters: Uncertain significance (2). Last evaluated 2020-07-30.

Conditions:
Inflammatory bowel disease 28. Also called: Inflammatory bowel disease 28, early onset, autosomal recessive. Identifiers: Orphanet 238569, MedGen C2751053, MONDO:0013153, OMIM 613148.

Allele frequency attached by ClinVar (database versions not stated): ExAC 0.00001; gnomAD exomes 0.00001; TOPMed 0.00001.
gnomAD v4.1: 15 of 1,614,052 alleles (0.00093%); highest among the groups gnomAD compares: East Asian, 0.018%; no homozygotes.

Submissions (2):

Labcorp Genetics (formerly Invitae), Labcorp
Classification: Uncertain significance for Inflammatory bowel disease 28. Last evaluated: 2020-07-30. Review status: criteria provided, single submitter. Criteria: Invitae Variant Classification Sherloc (09022015). Collection method: clinical testing. Allele origin: germline.
Comment: This sequence change falls in intron 2 of the IL10RA gene. It does not directly change the encoded amino acid sequence of the IL10RA protein, but it affects a nucleotide within the consensus splice site of the intron. This variant is present in population databases (rs780334422, ExAC 0.01%). This variant has not been reported in the literature in individuals with IL10RA-related conditions. ClinVar contains an entry for this variant (Variation ID: 302540). Nucleotide substitutions within the consensus splice site are a relatively common cause of aberrant splicing (PMID: 17576681, 9536098). Algorithms developed to predict the effect of sequence changes on RNA splicing suggest that this variant is not likely to affect RNA splicing, but this prediction has not been confirmed by published transcriptional studies. In summary, the available evidence is currently insufficient to determine the role of this variant in disease. Therefore, it has been classified as a Variant of Uncertain Significance.

Illumina Laboratory Services, Illumina
Classification: Uncertain significance for Inflammatory bowel disease 28. Last evaluated: 2018-01-12. Review status: criteria provided, single submitter. Criteria: ICSL Variant Classification Criteria 13 December 2019. Collection method: clinical testing. Allele origin: germline.

Literature cited by the submitters: PubMed 17576681 (cited by Labcorp Genetics (formerly Invitae), Labcorp); PubMed 9536098 (cited by Labcorp Genetics (formerly Invitae), Labcorp).

NM_001558.4(IL10RA):c.188+3G>A

Gene: IL10RA (interleukin 10 receptor subunit alpha; plus strand). Cytogenetic location: 11q23.3.
Variant type: single nucleotide variant.
Coding change: c.188+3G>A on transcript NM_001558.4 (MANE Select); 3 bases into the intron after coding-DNA position 188, G replaced by A.
Molecular consequence: intron variant.
Genome position (GRCh38, 1-based): chr11:117,988,505, G>A. VCF-style: chr11-117988505-G-A. GRCh37 (hg19) VCF-style: chr11-117859220-G-A.
Identifiers: ClinVar variation 302540 (VCV000302540.7), dbSNP rs780334422, ClinGen allele CA6298853.